The following is an entry in ClinVar:

NM_144997.7(FLCN):c.45_46delinsTT (p.Pro16Ser)

Gene: FLCN (folliculin; minus strand). Cytogenetic location: 17p11.2.
Variant type: Indel.
Coding change: c.45_46delinsTT on transcript NM_144997.7 (MANE Select); coding-DNA positions 45 to 46, CC replaced by TT.
Protein change: p.Pro16Ser; replaces proline 16 with serine.
Molecular consequence: missense variant.
Genome position (GRCh38, 1-based): chr17:17,228,092-17,228,093, GG replaced by AA on the plus strand (CC replaced by TT on the coding strand, the reverse complement: FLCN is on the minus strand). VCF-style: chr17-17228092-GG-AA. GRCh37 (hg19) VCF-style: chr17-17131406-GG-AA.
Other names: c.45_46delinsTT, p.Pro16Ser (NM_001353231.2, NM_144606.7, NM_001353229.2 and 1 more transcripts); short protein forms P16S.
Identifiers: ClinVar variation 4843152 (VCV004843152.1).
Genomic context (GRCh38, chr17:17,228,092, plus strand): 5'-CATTCCCATCCCCTTGAGGAAGTGGGGCGTGCAGCACCTCCGTGCAGAAGAGAGTGCGGG[GG>AA]CCGTGGAGCTCGCAGAAGTGGCAGAGAGCCACGATGGCATTCATGGTGCCTTGGAGACTG-3'
Protein context (NP_659434.2, residues 6-26): ALCHFCELHG[Pro16Ser]RTLFCTEVLH

ClinVar aggregate classification (germline): Uncertain significance (1 of 4 stars; one submission).

Conditions:
Hereditary cancer-predisposing syndrome. Also called: Neoplastic Syndromes, Hereditary; Tumor predisposition; Hereditary Cancer Syndrome; Hereditary neoplastic syndrome. Identifiers: Orphanet 140162, MedGen C0027672, MeSH D009386, MONDO:0015356.

Submission:

Ambry Genetics
Classification: Uncertain significance for Hereditary cancer-predisposing syndrome. Last evaluated: 2025-12-16. Review status: criteria provided, single submitter. Criteria: Ambry Variant Classification Scheme 2023. Collection method: clinical testing. Allele origin: germline.
Comment: The c.45_46delCCinsTT variant (also known as p.P16S), located in coding exon 1 of the FLCN gene, results from an in-frame deletion of CC and insertion of TT at nucleotide positions 45 to 46. This results in the substitution of the proline residue for a serine residue at codon 16, an amino acid with similar properties. This amino acid position is highly conserved in available vertebrate species. In addition, this alteration is predicted to be deleterious by in silico analysis. Based on the available evidence, the clinical significance of this variant remains unclear.